The following is an entry in ClinVar:

ClinVar aggregate classification (germline): Likely benign. Review status: criteria provided, multiple submitters, no conflicts (2 of 4 stars). 4 submissions from 4 submitters: Likely benign (3). 1 of the submissions does not count toward it. Last evaluated 2025-12-17.

Conditions:
Rubinstein-Taybi syndrome due to EP300 haploinsufficiency. Also called: EP300-Related Rubinstein-Taybi Syndrome; RUBINSTEIN-TAYBI SYNDROME 2. Identifiers: Orphanet 353284, Orphanet 783, MedGen C3150941, MONDO:0013364, OMIM 613684.
EP300-related disorder. Also called: EP300-related condition; EP300-related disorders.

Allele frequency attached by ClinVar (database versions not stated): ExAC 0.00003; gnomAD exomes 0.00003 and 0.00009; TOPMed 0.00005; gnomAD 0.00006; ESP Exome Variant Server 0.00008.
gnomAD v4.1: 133 of 1,613,898 alleles (0.0082%); highest among the groups gnomAD compares: Non-Finnish European, 0.011%; no homozygotes.

Submissions (4):

Labcorp Genetics (formerly Invitae), Labcorp
Classification: Likely benign for Rubinstein-Taybi syndrome due to EP300 haploinsufficiency. Last evaluated: 2025-12-17. Review status: criteria provided, single submitter. Criteria: Invitae Variant Classification Sherloc (09022015). Collection method: clinical testing. Allele origin: germline.

Blueprint Genetics
Classification: Likely benign. Last evaluated: 2024-03-12. Review status: criteria provided, single submitter. Criteria: ACMG Guidelines, 2015. Collection method: clinical testing. Allele origin: germline.

Genetic Services Laboratory, University of Chicago
Classification: Likely benign. Last evaluated: 2016-12-27. Review status: criteria provided, single submitter. Criteria: ACMG Guidelines, 2015. Collection method: clinical testing. Allele origin: germline. Affected: no.

PreventionGenetics, part of Exact Sciences
Classification: Likely benign for EP300-related condition. Last evaluated: 2019-08-05. Review status: no assertion criteria provided. Collection method: clinical testing. Allele origin: germline. Not counted in ClinVar's aggregate classification.
Comment: This variant is classified as likely benign based on ACMG/AMP sequence variant interpretation guidelines (Richards et al. 2015 PMID: 25741868, with internal and published modifications).

NM_001429.4(EP300):c.4482A>G (p.Arg1494=)

Gene: EP300 (EP300 lysine acetyltransferase; plus strand). Cytogenetic location: 22q13.2.
Variant type: single nucleotide variant.
Coding change: c.4482A>G on transcript NM_001429.4 (MANE Select); coding-DNA position 4482, A replaced by G.
Protein change: p.Arg1494=; no amino-acid change (arginine 1494 retained).
Molecular consequence: synonymous variant.
Genome position (GRCh38, 1-based): chr22:41,172,528, A>G. VCF-style: chr22-41172528-A-G. GRCh37 (hg19) VCF-style: chr22-41568532-A-G.
Other names: c.4404A>G, p.Arg1468= (NM_001362843.2).
Identifiers: ClinVar variation 435062 (VCV000435062.11), dbSNP rs149471059, ClinGen allele CA10253447.
Genomic context (GRCh38, chr22:41,172,528, plus strand): 5'-AATTCCTATATGTACATGCATGTTTTCACAGGATATTTTTAAACAAGCTACTGAAGATAG[A>G]TTAACAAGTGCAAAGGAATTGCCTTATTTCGAGGGTGATTTCTGGCCCAATGTTCTGGAA-3'
Protein context (NP_001420.2, residues 1484-1504): KDIFKQATED[Arg1494=]LTSAKELPYF